The following is an entry in ClinVar:

NM_003105.6(SORL1):c.2752G>A (p.Glu918Lys)

Gene: SORL1 (sortilin related receptor 1; plus strand). Cytogenetic location: 11q24.1.
Variant type: single nucleotide variant.
Coding change: c.2752G>A on transcript NM_003105.6 (MANE Select); coding-DNA position 2752, G replaced by A.
Protein change: p.Glu918Lys; replaces glutamic acid 918 with lysine.
Molecular consequence: missense variant.
Genome position (GRCh38, 1-based): chr11:121,558,679, G>A. VCF-style: chr11-121558679-G-A. GRCh37 (hg19) VCF-style: chr11-121429388-G-A.
Other names: short protein forms E918K.
Identifiers: ClinVar variation 2709068 (VCV002709068.3), dbSNP rs2496894848, ClinGen allele CA383035852.

ClinVar aggregate classification (germline): Uncertain significance (1 of 4 stars; one submission).

Allele frequency attached by ClinVar (database versions not stated): gnomAD exomes below 0.00001.
gnomAD v4.1: 1 of 1,614,180 alleles (0.000062%); highest among the groups gnomAD compares: South Asian, 0.0011%; no homozygotes.

Submission:

Labcorp Genetics (formerly Invitae), Labcorp
Classification: Uncertain significance. Last evaluated: 2024-01-12. Review status: criteria provided, single submitter. Criteria: Invitae Variant Classification Sherloc (09022015). Collection method: clinical testing. Allele origin: germline.
Comment: This sequence change replaces glutamic acid, which is acidic and polar, with lysine, which is basic and polar, at codon 918 of the SORL1 protein (p.Glu918Lys). This variant is not present in population databases (gnomAD no frequency). This variant has not been reported in the literature in individuals affected with SORL1-related conditions. An algorithm developed to predict the effect of missense changes on protein structure and function (PolyPhen-2) suggests that this variant is likely to be disruptive. In summary, the available evidence is currently insufficient to determine the role of this variant in disease. Therefore, it has been classified as a Variant of Uncertain Significance.